The following is an entry in ClinVar:

NM_194248.3(OTOF):c.5333T>C (p.Val1778Ala)

Gene: OTOF (otoferlin; minus strand). Cytogenetic location: 2p23.3.
Variant type: single nucleotide variant.
Coding change: c.5333T>C on transcript NM_194248.3 (MANE Select); coding-DNA position 5333, T replaced by C.
Protein change: p.Val1778Ala; replaces valine 1778 with alanine.
Molecular consequence: missense variant.
Genome position (GRCh38, 1-based): chr2:26,461,896, A>G on the plus strand (T>C on the coding strand, the complement: OTOF is on the minus strand). VCF-style: chr2-26461896-A-G. GRCh37 (hg19) VCF-style: chr2-26684764-A-G.
Other names: c.5333T>C, p.Val1778Ala (NM_001287489.2); c.3032T>C, p.Val1011Ala (NM_004802.4, NM_194323.3); c.3263T>C, p.Val1088Ala (NM_194322.3); short protein forms V1011A, V1088A, V1778A.
Identifiers: ClinVar variation 4879951 (VCV004879951.1).

ClinVar aggregate classification (germline): Likely pathogenic (0 of 4 stars; one submission).

Conditions:
Autosomal recessive nonsyndromic hearing loss 9. Also called: NEUROSENSORY NONSYNDROMIC RECESSIVE DEAFNESS 9; OTOF-Related Hearing Loss; Deafness, autosomal recessive 9; AUDITORY NEUROPATHY, AUTOSOMAL RECESSIVE, 1, TEMPERATURE-SENSITIVE. Identifiers: Orphanet 90636, MedGen C1832828, MONDO:0010986, OMIM 601071.

Submission:

Diagnosis and Treatment Center of Genetic Hearing Loss, Eye & ENT Hospital of Fudan University
Classification: Likely pathogenic for Autosomal recessive nonsyndromic hearing loss 9. Last evaluated: 2026-02-04. Review status: no assertion criteria provided. Collection method: clinical testing. Allele origin: germline. Inheritance: Autosomal recessive inheritance. Affected: yes.
Comment: The c.5333T>C missense variant in OTOF is absent from population databases (PM2_Supporting). The REVEL score is 0.899 (PP3_Moderate). The phenotype is highly consistent with auditory neuropathy (PP4). The c.5333T>C (p.Val1778Ala) missense variant in OTOF is absent from population databases (PM2_Supporting). A likely pathogenic variant at the same amino acid position, c.5332G>T (p.Val1778Phe), has been reported (PM5_Supporting; PMID: 27621663). The variant was identified as de novo without parental confirmation (PM6). The REVEL score is 0.899 (PP3_Moderate).

Literature cited by the submitters: PubMed 27621663.